The following is an entry in ClinVar:

NC_000015.10:g.35742132_35744286del

Gene: DPH6-DT (DPH6 divergent transcript; plus strand). Cytogenetic location: 15q14.
Variant type: Deletion.
Genome position: GRCh38: chr15:35,742,132-35,744,286. GRCh37 (hg19): chr15:36,034,333-36,036,487.
Identifiers: ClinVar variation 157343 (VCV000157343.2), ClinGen allele CA212404.

ClinVar aggregate classification (germline): not provided (0 of 4 stars; one submission).

Conditions:
Normal pregnancy. Identifiers: MedGen C0232989.

Submission:

Institute of Molecular and Cell Biology, University of Tartu
No classification provided. Condition: Normal pregnancy. Review status: no classification provided. Collection method: case-control. Allele origin: unknown. Affected: yes. Study: Kasak2014.
Comment: The study aimed to determine the contribution of copy number variants in the genetic etiology of normal and complicated pregnancies. The samples represented (i) maternal blood DNA drawn from healthy pregnant women during 1st or 2nd trimester and (ii) maternal and paternal blood DNA drawn at term pregnancy cases representing normal and complicated gestations (severe preeclampsia, PE; gestational diabetes, GD; small-for-gestational age newborn, SGA; large-for-gestational age newborn, LGA). We performed CNV calling based on genome-wide genotyping dataset (Illumina HumanOmniExpress-24-v1 BeadChip) by applying three algorithms, QuantiSNP, GADA (Genome Alteration Detection Algorithm) and CNstream in parallel. The acquired CNV calls were merged with HD-CNV (Hotspot Detector for Copy Number Variants) program and only the CNVs predicted by at least two programs, were considered in subsequent analysis.

Literature cited by the submitters: PubMed 25666259.